The following is an entry in ClinVar:

ClinVar aggregate classification (germline): Uncertain significance (1 of 4 stars; one submission).

Conditions:
Epidermolysis bullosa simplex 3, localized or generalized intermediate, with BP230 deficiency (EBS3). Also called: Epidermolysis bullosa simplex, autosomal recessive 2; Epidermolysis bullosa simplex due to BP230 deficiency. Identifiers: Orphanet 412181, MedGen C3809470, MONDO:0014180, OMIM 615425.
Hereditary sensory and autonomic neuropathy type 6. Also called: Neuropathy, hereditary sensory and autonomic, type VI; HSAN VI. Identifiers: Orphanet 314381, MedGen C3539003, MONDO:0013839, OMIM 614653.

Allele frequency attached by ClinVar (database versions not stated): gnomAD 0.00001; ExAC 0.00002; gnomAD exomes 0.00003; TOPMed 0.00003.
gnomAD v4.1: 31 of 1,609,932 alleles (0.0019%); highest among the groups gnomAD compares: Admixed American, 0.0084%; no homozygotes.

Submission:

Labcorp Genetics (formerly Invitae), Labcorp
Classification: Uncertain significance for Epidermolysis bullosa simplex 3, localized or generalized intermediate, with BP230 deficiency; Hereditary sensory and autonomic neuropathy type 6. Last evaluated: 2026-01-12. Review status: criteria provided, single submitter. Criteria: Invitae Variant Classification Sherloc (09022015). Collection method: clinical testing. Allele origin: germline.
Comment: The DST gene has multiple clinically relevant transcripts. This variant occurs in alternate transcript NM_015548.4, and corresponds to NM_001723.5:c.*23344C>T in the primary transcript. This sequence change falls in intron 30 of the DST gene. It does not directly change the encoded amino acid sequence of the DST protein. This variant is present in population databases (rs775106494, gnomAD 0.01%). This variant has not been reported in the literature in individuals affected with DST-related conditions. In summary, the available evidence is currently insufficient to determine the role of this variant in disease. Therefore, it has been classified as a Variant of Uncertain Significance.

NM_001374736.1(DST):c.12903+9C>T

Gene: DST (dystonin; minus strand). Cytogenetic location: 6p12.1.
Variant type: single nucleotide variant.
Coding change: c.12903+9C>T on transcript NM_001374736.1 (MANE Select); 9 bases into the intron after coding-DNA position 12903, C replaced by T.
Molecular consequence: intron variant.
Genome position (GRCh38, 1-based): chr6:56,592,173, G>A on the plus strand (C>T on the coding strand, the complement: DST is on the minus strand). VCF-style: chr6-56592173-G-A. GRCh37 (hg19) VCF-style: chr6-56456971-G-A.
Other names: c.6546+9C>T (NM_001144769.5); c.12903+9C>T (NM_001374722.1); c.12930+9C>T (NM_001374734.1); c.6132+9C>T (NM_001144770.2); c.6012+9C>T (NM_001374730.1, NM_183380.4); c.12270+9C>T (NM_001374729.1); c.5034+9C>T (NM_015548.5).
Identifiers: ClinVar variation 970197 (VCV000970197.8), dbSNP rs775106494, ClinGen allele CA3868363.